The following is an entry in ClinVar:

NM_212481.3(ARID5A):c.1452C>G (p.Val484=)

Genes: ARID5A (AT-rich interaction domain 5A; plus strand), LOC129934353 (ATAC-STARR-seq lymphoblastoid active region 16222; plus strand). Cytogenetic location: 2q11.2.
Variant type: single nucleotide variant.
Coding change: c.1452C>G on transcript NM_212481.3 (MANE Select); coding-DNA position 1452, C replaced by G.
Protein change: p.Val484=; no amino-acid change (valine 484 retained).
Molecular consequence: synonymous variant.
Genome position (GRCh38, 1-based): chr2:96,551,980, C>G. VCF-style: chr2-96551980-C-G. GRCh37 (hg19) VCF-style: chr2-97217717-C-G.
Other names: c.1614C>G, p.Val538= (NM_001319085.2); c.1611C>G, p.Val537= (NM_001319087.2); c.1248C>G, p.Val416= (NM_001319092.1); c.960C>G, p.Val320= (NM_001319093.2, NM_001319094.2, NM_001319096.2).
Identifiers: ClinVar variation 3061634 (VCV003061634.2), dbSNP rs144780626, ClinGen allele CA1780844.
Genomic context (GRCh38, chr2:96,551,980, plus strand): 5'-CTTTCTTAAGGAGGCGGATGCCAAGAAGTGTGGGGCCAAACCTGCAGGGTCCGGCCTGGT[C>G]TCCTGCCTTCTGGGCCCAGCCCTGGGGCCTGTGCCCCCAGAGGCCTACAGGGGCACCATG-3'
Protein context (NP_997646.1, residues 474-494): CGAKPAGSGL[Val484=]SCLLGPALGP

ClinVar aggregate classification (germline): Likely benign (0 of 4 stars; one submission).

Conditions:
ARID5A-related disorder. Also called: ARID5A-related condition.

Submission:

PreventionGenetics, part of Exact Sciences
Classification: Likely benign for ARID5A-related condition. Last evaluated: 2021-06-22. Review status: no assertion criteria provided. Collection method: clinical testing. Allele origin: germline.
Comment: This variant is classified as likely benign based on ACMG/AMP sequence variant interpretation guidelines (Richards et al. 2015 PMID: 25741868, with internal and published modifications).